The following is an entry in ClinVar:

ClinVar aggregate classification (germline): Pathogenic. Review status: criteria provided, multiple submitters, no conflicts (2 of 4 stars). 10 submissions from 9 submitters: Pathogenic (4). 6 of the submissions do not count toward it. Last evaluated 2026-01-22.

Conditions:
Primary immunodeficiency or monogenic inflammatory bowel disease.
Porokeratosis 3, disseminated superficial actinic type (POROK3). Also called: POROKERATOSIS, DISSEMINATED SUPERFICIAL ACTINIC, 1; POROKERATOSIS 3, MULTIPLE TYPES; POROKERATOSIS 3, MIBELLI TYPE. Identifiers: MedGen C1867981, MONDO:0008293, OMIM 175900.
Hyperimmunoglobulin D with periodic fever (HIDS). Also called: Hyperimmunoglobulinemia D with periodic fever; Hyperimmunoglobulinemia D; HYPERIMMUNOGLOBULINEMIA D AND PERIODIC FEVER SYNDROME. Identifiers: Orphanet 343, MedGen C0398691, MONDO:0009849, OMIM 260920.
Mevalonic aciduria (MEVA). Identifiers: Orphanet 29, MedGen C1959626, MONDO:0012481, OMIM 610377.

Allele frequency attached by ClinVar (database versions not stated): TOPMed below 0.00001; gnomAD 0.00001.
gnomAD v4.1: 16 of 1,609,898 alleles (0.00099%); highest among the groups gnomAD compares: Non-Finnish European, 0.0014%; no homozygotes.

Submissions (10):

North West Genomic Laboratory Hub, Manchester University NHS Foundation Trust
Classification: Pathogenic for Primary immunodeficiency or monogenic inflammatory bowel disease. Last evaluated: 2026-01-22. Review status: criteria provided, single submitter. Criteria: ACGS Best Practice Guidelines for Variant Classification in Rare Disease 2024. Collection method: clinical testing. Allele origin: germline. Affected: yes.
Comment: PS3_Supp PM3_Mod PM5_Mod PP3_Supp PP4_Mod PM2_Mod

Labcorp Genetics (formerly Invitae), Labcorp
Classification: Pathogenic for Mevalonic aciduria; Hyperimmunoglobulin D with periodic fever; Porokeratosis 3, disseminated superficial actinic type. Last evaluated: 2025-12-15. Review status: criteria provided, single submitter. Criteria: Invitae Variant Classification Sherloc (09022015). Collection method: clinical testing. Allele origin: germline.
Comment: This sequence change replaces histidine, which is basic and polar, with proline, which is neutral and non-polar, at codon 20 of the MVK protein (p.His20Pro). The frequency data for this variant in the population databases is considered unreliable, as metrics indicate poor data quality at this position in the gnomAD database. This missense change has been observed in individual(s) with autosomal recessive mevalonate kinase deficiency (PMID: 10369261, 10896296, 16835861). In at least one individual the data is consistent with being in trans (on the opposite chromosome) from a pathogenic variant. ClinVar contains an entry for this variant (Variation ID: 11931). Invitae Evidence Modeling of protein sequence and biophysical properties (such as structural, functional, and spatial information, amino acid conservation, physicochemical variation, residue mobility, and thermodynamic stability) indicates that this missense variant is expected to disrupt MVK protein function with a positive predictive value of 95%. Experimental studies have shown that this missense change affects MVK function (PMID: 10369261). This variant disrupts the p.His20 amino acid residue in MVK. Other variant(s) that disrupt this residue have been determined to be pathogenic (PMID: 11313769, 15536479, 27213830, 28501347). This suggests that this residue is clinically significant, and that variants that disrupt this residue are likely to be disease-causing. For these reasons, this variant has been classified as Pathogenic.

Center for Genomic Medicine, Rigshospitalet, Copenhagen University Hospital
Classification: Pathogenic. Last evaluated: 2025-03-04. Review status: criteria provided, single submitter. Criteria: ACMG Guidelines, 2015. Collection method: clinical testing. Allele origin: germline.

CeGaT Center for Human Genetics Tuebingen
Classification: Pathogenic. Last evaluated: 2024-04-01. Review status: criteria provided, single submitter. Criteria: CeGaT Center For Human Genetics Tuebingen Variant Classification Criteria Version 2. Collection method: clinical testing. Allele origin: germline. Affected: yes. Observed: 2 variant alleles.
Comment: MVK: PM3:Very Strong, PM2, PM5, PP3, PP4, PS3:Supporting

OMIM
Classification: Pathogenic for HYPER-IgD SYNDROME. Last evaluated: 1999-08-01. Review status: no assertion criteria provided. Collection method: literature only. Allele origin: germline. Not counted in ClinVar's aggregate classification.

OMIM
Classification: Pathogenic for MEVALONIC ACIDURIA. Last evaluated: 1999-08-01. Review status: no assertion criteria provided. Collection method: literature only. Allele origin: germline. Not counted in ClinVar's aggregate classification.

Clinical Genetics DNA and cytogenetics Diagnostics Lab, Erasmus MC, Erasmus Medical Center
Classification: Pathogenic. Review status: no assertion criteria provided. Collection method: clinical testing. Allele origin: germline. Affected: yes. Study: VKGL Data-share Consensus. Not counted in ClinVar's aggregate classification.

Genome Diagnostics Laboratory, University Medical Center Utrecht
Classification: Pathogenic. Review status: no assertion criteria provided. Collection method: clinical testing. Allele origin: germline. Affected: yes. Study: VKGL Data-share Consensus. Not counted in ClinVar's aggregate classification.

Joint Genome Diagnostic Labs from Nijmegen and Maastricht, Radboudumc and MUMC+
Classification: Pathogenic. Review status: no assertion criteria provided. Collection method: clinical testing. Allele origin: germline. Affected: yes. Study: VKGL Data-share Consensus. Not counted in ClinVar's aggregate classification.

Unité médicale des maladies autoinflammatoires, CHRU Montpellier
No classification provided. Condition: Hyperimmunoglobulin D with periodic fever. Review status: no classification provided. Collection method: not provided. Allele origin: unknown. Not counted in ClinVar's aggregate classification.
Comment: also involved in OMIM 25117

Literature cited by the submitters: PubMed 10369261 (cited by Labcorp Genetics (formerly Invitae), Labcorp and OMIM); PubMed 10896296 (cited by Labcorp Genetics (formerly Invitae), Labcorp); PubMed 16835861 (cited by Labcorp Genetics (formerly Invitae), Labcorp); PubMed 11313769 (cited by Labcorp Genetics (formerly Invitae), Labcorp); PubMed 15536479 (cited by Labcorp Genetics (formerly Invitae), Labcorp); PubMed 27213830 (cited by Labcorp Genetics (formerly Invitae), Labcorp); PubMed 28501347 (cited by Labcorp Genetics (formerly Invitae), Labcorp); PubMed 24531851 (cited by Center for Genomic Medicine, Rigshospitalet, Copenhagen University Hospital); PubMed 34145613 (cited by Center for Genomic Medicine, Rigshospitalet, Copenhagen University Hospital); PubMed 10401001 (cited by OMIM).

NM_000431.4(MVK):c.59A>C (p.His20Pro)

Gene: MVK (mevalonate kinase; plus strand). Cytogenetic location: 12q24.11.
Variant type: single nucleotide variant.
Coding change: c.59A>C on transcript NM_000431.4 (MANE Select); coding-DNA position 59, A replaced by C.
Protein change: p.His20Pro; replaces histidine 20 with proline.
Molecular consequence: missense variant.
Genome position (GRCh38, 1-based): chr12:109,574,881, A>C. VCF-style: chr12-109574881-A-C. GRCh37 (hg19) VCF-style: chr12-110012686-A-C.
Other names: c.59A>C, p.His20Pro (LRG_156t1, NM_001114185.3, NM_001301182.2); short protein forms H20P.
Identifiers: ClinVar variation 11931 (VCV000011931.52), dbSNP rs104895295, ClinGen allele CA121780.